The following is an entry in ClinVar:

NM_012309.5(SHANK2):c.744+9G>A

Gene: SHANK2 (SH3 and multiple ankyrin repeat domains 2; minus strand). Cytogenetic location: 11q13.4.
Variant type: single nucleotide variant.
Coding change: c.744+9G>A on transcript NM_012309.5 (MANE Select); 9 bases into the intron after coding-DNA position 744, G replaced by A.
Molecular consequence: intron variant.
Genome position (GRCh38, 1-based): chr11:71,094,528, C>T on the plus strand (G>A on the coding strand, the complement: SHANK2 is on the minus strand). VCF-style: chr11-71094528-C-T. GRCh37 (hg19) VCF-style: chr11-70805574-C-T.
Identifiers: ClinVar variation 3352079 (VCV003352079.1).
Genomic context (GRCh38, chr11:71,094,528, plus strand): 5'-GATGGGATGGGGCAGCCGCACGGAATCAGAGCACGGGGTGGCACCCAAGTAAGATGGGCC[C>T]GAGTTTACCTTCAGGGCAACTTGGTTCCTCGCTCGGGCAGCTTTGTGTAGGGCGGTCATC-3'

ClinVar aggregate classification (germline): Likely benign (0 of 4 stars; one submission).

Conditions:
SHANK2-related disorder.

gnomAD v4.1: 38 of 1,547,704 alleles (0.0025%); highest among the groups gnomAD compares: Middle Eastern, 0.15%; no homozygotes.

Submission:

PreventionGenetics, part of Exact Sciences
Classification: Likely benign for SHANK2-related condition. Last evaluated: 2019-07-10. Review status: no assertion criteria provided. Collection method: clinical testing. Allele origin: germline.
Comment: This variant is classified as likely benign based on ACMG/AMP sequence variant interpretation guidelines (Richards et al. 2015 PMID: 25741868, with internal and published modifications).